The following is an entry in ClinVar:

NM_001378454.1(ALMS1):c.8543G>A (p.Gly2848Asp)

Gene: ALMS1 (ALMS1 centrosome and basal body associated protein; plus strand). Cytogenetic location: 2p13.1.
Variant type: single nucleotide variant.
Coding change: c.8543G>A on transcript NM_001378454.1 (MANE Select); coding-DNA position 8543, G replaced by A.
Protein change: p.Gly2848Asp; replaces glycine 2848 with aspartic acid.
Molecular consequence: missense variant.
Genome position (GRCh38, 1-based): chr2:73,490,502, G>A. VCF-style: chr2-73490502-G-A. GRCh37 (hg19) VCF-style: chr2-73717629-G-A.
Other names: c.8546G>A, p.Gly2849Asp (NM_015120.4); short protein forms G2848D, G2849D.
Identifiers: ClinVar variation 1763798 (VCV001763798.6), dbSNP rs1010975043, ClinGen allele CA50378793.

ClinVar aggregate classification (germline): Uncertain significance. Review status: criteria provided, multiple submitters, no conflicts (2 of 4 stars). 3 submissions from 3 submitters: Uncertain significance (3). Last evaluated 2025-09-05.

Conditions:
Alstrom syndrome (ALMS). Identifiers: Orphanet 64, MedGen C0268425, MONDO:0008763, OMIM 203800.
Cardiovascular phenotype. Identifiers: MedGen CN230736.

Allele frequency attached by ClinVar (database versions not stated): gnomAD 0.00002; TOPMed 0.00002.
gnomAD v4.1: 10 of 1,614,010 alleles (0.00062%); highest among the groups gnomAD compares: Non-Finnish European, 0.00085%; no homozygotes.

Submissions (3):

Ambry Genetics
Classification: Uncertain significance for Cardiovascular phenotype. Last evaluated: 2025-09-05. Review status: criteria provided, single submitter. Criteria: Ambry Variant Classification Scheme 2023. Collection method: clinical testing. Allele origin: germline.
Comment: The p.G2849D variant (also known as c.8546G>A), located in coding exon 10 of the ALMS1 gene, results from a G to A substitution at nucleotide position 8546. The glycine at codon 2849 is replaced by aspartic acid, an amino acid with similar properties. This amino acid position is poorly conserved in available vertebrate species. In addition, this alteration is predicted to be tolerated by in silico analysis. Since supporting evidence is limited at this time, the clinical significance of this alteration remains unclear.

Labcorp Genetics (formerly Invitae), Labcorp
Classification: Uncertain significance for Alstrom syndrome. Last evaluated: 2022-06-03. Review status: criteria provided, single submitter. Criteria: Invitae Variant Classification Sherloc (09022015). Collection method: clinical testing. Allele origin: germline.
Comment: This sequence change replaces glycine, which is neutral and non-polar, with aspartic acid, which is acidic and polar, at codon 2849 of the ALMS1 protein (p.Gly2849Asp). This variant is present in population databases (no rsID available, gnomAD 0.002%). This variant has not been reported in the literature in individuals affected with ALMS1-related conditions. Experimental studies and prediction algorithms are not available or were not evaluated, and the functional significance of this variant is currently unknown. In summary, the available evidence is currently insufficient to determine the role of this variant in disease. Therefore, it has been classified as a Variant of Uncertain Significance.

Blueprint Genetics
Classification: Uncertain significance. Last evaluated: 2022-05-24. Review status: criteria provided, single submitter. Criteria: ACMG Guidelines, 2015. Collection method: clinical testing. Allele origin: germline.